The following is an entry in ClinVar:

NM_001040108.2(MLH3):c.1890T>C (p.Tyr630=)

Gene: MLH3 (mutL homolog 3; minus strand). Cytogenetic location: 14q24.3.
Variant type: single nucleotide variant.
Coding change: c.1890T>C on transcript NM_001040108.2 (MANE Select); coding-DNA position 1890, T replaced by C.
Protein change: p.Tyr630=; no amino-acid change (tyrosine 630 retained).
Molecular consequence: synonymous variant.
Genome position (GRCh38, 1-based): chr14:75,047,766, A>G on the plus strand (T>C on the coding strand, the complement: MLH3 is on the minus strand). VCF-style: chr14-75047766-A-G. GRCh37 (hg19) VCF-style: chr14-75514469-A-G.
Other names: c.1890T>C, p.Tyr630= (NM_014381.3).
Identifiers: ClinVar variation 1782070 (VCV001782070.4), dbSNP rs1389082627, ClinGen allele CA487273623.
Genomic context (GRCh38, chr14:75,047,766, plus strand): 5'-AACTGAATGACGTGTTCTATTTCCAAATGTTTCTTGGGCACGTGTGGGACCAGGTCTAAC[A>G]TAATTTTTAAATGAATGTTCTGTTTCAGTTGATTTAGTTTTTTCATTTTGTACTACATGA-3'
Protein context (NP_001035197.1, residues 620-640): STETEHSFKN[Tyr630=]VRPGPTRAQE

ClinVar aggregate classification (germline): Benign/Likely benign. Review status: criteria provided, multiple submitters, no conflicts (2 of 4 stars). 3 submissions from 3 submitters: Benign (1); Likely benign (2). Last evaluated 2026-04-30.

Conditions:
Colorectal cancer, hereditary nonpolyposis, type 7. Identifiers: Orphanet 144, MedGen C1858380, MONDO:0013725, OMIM 614385.

Allele frequency attached by ClinVar (database versions not stated): TOPMed 0.00001.

Submissions (3):

Myriad Genetics, Inc.
Classification: Benign for Colorectal cancer, hereditary nonpolyposis, type 7. Last evaluated: 2026-04-30. Review status: criteria provided, single submitter. Criteria: Myriad Autosomal Dominant, Autosomal Recessive and X-Linked Classification Criteria (2023). Collection method: clinical testing. Allele origin: unknown.
Comment: This variant is considered benign. This variant is a silent/synonymous amino acid change and it is not expected to impact splicing.

Labcorp Genetics (formerly Invitae), Labcorp
Classification: Likely benign for Colorectal cancer, hereditary nonpolyposis, type 7. Last evaluated: 2026-01-20. Review status: criteria provided, single submitter. Criteria: Invitae Variant Classification Sherloc (09022015). Collection method: clinical testing. Allele origin: germline.

Ambry Genetics
Classification: Likely benign. Last evaluated: 2022-02-14. Review status: criteria provided, single submitter. Criteria: Ambry Variant Classification Scheme 2023. Collection method: clinical testing. Allele origin: germline.